The following is an entry in ClinVar:

NM_020549.5(CHAT):c.122G>C (p.Gly41Ala)

Gene: CHAT (choline O-acetyltransferase; plus strand). Cytogenetic location: 10q11.23.
Variant type: single nucleotide variant.
Coding change: c.122G>C on transcript NM_020549.5 (MANE Select); coding-DNA position 122, G replaced by C.
Protein change: p.Gly41Ala; replaces glycine 41 with alanine.
Molecular consequence: missense variant. On other transcripts: 5 prime UTR variant (4), intron variant (2).
Genome position (GRCh38, 1-based): chr10:49,614,311, G>C. VCF-style: chr10-49614311-G-C. GRCh37 (hg19) VCF-style: chr10-50822357-G-C.
Other names: c.-233G>C (NM_001142929.2, NM_020985.4); c.-195G>C (NM_001142933.2); c.-303G>C (NM_001142934.2); c.-68-2191G>C (NM_020984.4); c.-69+1109G>C (NM_020986.4); short protein forms G41A.
Identifiers: ClinVar variation 1419236 (VCV001419236.8), dbSNP rs1441347177, ClinGen allele CA376724974.

ClinVar aggregate classification (germline): Uncertain significance (1 of 4 stars; one submission).

Conditions:
Familial infantile myasthenia (CMS6). Also called: MYASTHENIC SYNDROME, CONGENITAL, 6, PRESYNAPTIC; MYASTHENIC SYNDROME, PRESYNAPTIC, CONGENITAL, ASSOCIATED WITH EPISODIC APNEA; Congenital myasthenic syndrome type 6. Identifiers: Orphanet 590, MedGen C0393929, MONDO:0009689, OMIM 254210.

Submission:

Labcorp Genetics (formerly Invitae), Labcorp
Classification: Uncertain significance for Familial infantile myasthenia. Last evaluated: 2021-06-06. Review status: criteria provided, single submitter. Criteria: Invitae Variant Classification Sherloc (09022015). Collection method: clinical testing. Allele origin: germline.
Comment: This sequence change replaces glycine with alanine at codon 41 of the CHAT protein (p.Gly41Ala). The glycine residue is weakly conserved and there is a small physicochemical difference between glycine and alanine. The frequency data for this variant in the population databases is considered unreliable, as metrics indicate insufficient coverage at this position in the ExAC database. This variant has not been reported in the literature in individuals with CHAT-related conditions. Advanced modeling of protein sequence and biophysical properties (such as structural, functional, and spatial information, amino acid conservation, physicochemical variation, residue mobility, and thermodynamic stability) performed at Invitae indicates that this missense variant is not expected to disrupt CHAT protein function. In summary, the available evidence is currently insufficient to determine the role of this variant in disease. Therefore, it has been classified as a Variant of Uncertain Significance.